The following is an entry in ClinVar:

NM_004370.6(COL12A1):c.6641A>G (p.Gln2214Arg)

Gene: COL12A1 (collagen type XII alpha 1 chain; minus strand). Cytogenetic location: 6q13.
Variant type: single nucleotide variant.
Coding change: c.6641A>G on transcript NM_004370.6 (MANE Select); coding-DNA position 6641, A replaced by G.
Protein change: p.Gln2214Arg; replaces glutamine 2214 with arginine.
Molecular consequence: missense variant.
Genome position (GRCh38, 1-based): chr6:75,124,338, T>C on the plus strand (A>G on the coding strand, the complement: COL12A1 is on the minus strand). VCF-style: chr6-75124338-T-C. GRCh37 (hg19) VCF-style: chr6-75834054-T-C.
Other names: p.Gln2214Arg; c.3149A>G, p.Gln1050Arg (NM_080645.3); short protein forms Q2214R, Q1050R.
Identifiers: ClinVar variation 475890 (VCV000475890.19), dbSNP rs41269303, ClinGen allele CA3892758.
Genomic context (GRCh38, chr6:75,124,338, plus strand): 5'-CTGTAGGAGGTGGCTGCCCGGTGAGGTGACCATTTGACACAGAATGTATCCCACCCAATC[T>C]GGTAAGTTTTCAGATCTGTTACATTTAAATATACTACAAAATAAAGAAAGAAAGAGATTT-3'
Protein context (NP_004361.3, residues 2204-2224): YLNVTDLKTY[Gln2214Arg]IGWDTFCVKW

ClinVar aggregate classification (germline): Conflicting classifications of pathogenicity. Review status: criteria provided, conflicting classifications (1 of 4 stars). 6 submissions from 6 submitters: Uncertain significance (2); Likely benign (3). 1 of the submissions does not count toward it. Last evaluated 2026-06-08.

Conditions:
Ullrich congenital muscular dystrophy 2 (UCMD2). Identifiers: Orphanet 75840, MedGen C4225314, MONDO:0014654, OMIM 616470.
Bethlem myopathy 2 (BTHLM2). Identifiers: Orphanet 536516, Orphanet 610, MedGen C4225313, MONDO:0034022, OMIM 616471.
COL12A1-related disorder. Also called: COL12A1-related condition.

Allele frequency attached by ClinVar (database versions not stated): gnomAD 0.00087 and 0.00096; TOPMed 0.00099; 1000 Genomes Project 30x 0.00109; ESP Exome Variant Server 0.00110; gnomAD exomes 0.00007 and 0.00020; ExAC 0.00034; 1000 Genomes Project 0.00080.
gnomAD v4.1: 241 of 1,613,036 alleles (0.015%); highest among the groups gnomAD compares: African/African-American, 0.28%; no homozygotes.

Submissions (6):

Women's Health and Genetics/Laboratory Corporation of America, LabCorp
Classification: Uncertain significance. Last evaluated: 2026-06-08. Review status: criteria provided, single submitter. Criteria: LabCorp Variant Classification Summary - May 2015. Collection method: clinical testing. Allele origin: germline.

Labcorp Genetics (formerly Invitae), Labcorp
Classification: Likely benign for Bethlem myopathy 2; Ullrich congenital muscular dystrophy 2. Last evaluated: 2025-11-17. Review status: criteria provided, single submitter. Criteria: Invitae Variant Classification Sherloc (09022015). Collection method: clinical testing. Allele origin: germline.

Mayo Clinic Laboratories, Mayo Clinic
Classification: Likely benign. Last evaluated: 2025-06-12. Review status: criteria provided, single submitter. Criteria: ACMG Guidelines, 2015. Collection method: clinical testing. Allele origin: germline. Observed: 2 variant alleles.
Comment: BS1, BP4

Blueprint Genetics
Classification: Uncertain significance. Last evaluated: 2024-09-04. Review status: criteria provided, single submitter. Criteria: ACMG Guidelines, 2015. Collection method: clinical testing. Allele origin: germline.

GeneDx
Classification: Likely benign. Last evaluated: 2020-09-14. Review status: criteria provided, single submitter. Criteria: GeneDx Variant Classification Process June 2021. Collection method: clinical testing. Allele origin: germline. Affected: yes.

PreventionGenetics, part of Exact Sciences
Classification: Likely benign for COL12A1-related condition. Last evaluated: 2020-01-06. Review status: no assertion criteria provided. Collection method: clinical testing. Allele origin: germline. Not counted in ClinVar's aggregate classification.
Comment: This variant is classified as likely benign based on ACMG/AMP sequence variant interpretation guidelines (Richards et al. 2015 PMID: 25741868, with internal and published modifications).